The following is an entry in ClinVar:

ClinVar aggregate classification (germline): Uncertain significance (1 of 4 stars; one submission).

Conditions:
Neurofibromatosis, type 2 (SWNV). Also called: SCHWANNOMATOSIS, VESTIBULAR; BILATERAL ACOUSTIC NEUROFIBROMATOSIS; NF2-Related Schwannomatosis. Identifiers: Orphanet 637, MedGen C0027832, MONDO:0007039, OMIM 101000. Disease mechanism: loss of function.

Submission:

Labcorp Genetics (formerly Invitae), Labcorp
Classification: Uncertain significance for Neurofibromatosis, type 2. Last evaluated: 2023-01-24. Review status: criteria provided, single submitter. Criteria: Invitae Variant Classification Sherloc (09022015). Collection method: clinical testing. Allele origin: germline.
Comment: This sequence change replaces histidine, which is basic and polar, with tyrosine, which is neutral and polar, at codon 116 of the NF2 protein (p.His116Tyr). This variant is not present in population databases (gnomAD no frequency). This variant has not been reported in the literature in individuals affected with NF2-related conditions. Advanced modeling of protein sequence and biophysical properties (such as structural, functional, and spatial information, amino acid conservation, physicochemical variation, residue mobility, and thermodynamic stability) performed at Invitae indicates that this missense variant is expected to disrupt NF2 protein function. In summary, the available evidence is currently insufficient to determine the role of this variant in disease. Therefore, it has been classified as a Variant of Uncertain Significance.

NM_000268.4(NF2):c.346C>T (p.His116Tyr)

Gene: NF2 (NF2, moesin-ezrin-radixin like (MERLIN) tumor suppressor; plus strand). Cytogenetic location: 22q12.2.
Variant type: single nucleotide variant.
Coding change: c.346C>T on transcript NM_000268.4 (MANE Select); coding-DNA position 346, C replaced by T.
Protein change: p.His116Tyr; replaces histidine 116 with tyrosine.
Molecular consequence: missense variant. On other transcripts: 5 prime UTR variant (1), intron variant (8).
Genome position (GRCh38, 1-based): chr22:29,639,195, C>T. VCF-style: chr22-29639195-C-T. GRCh37 (hg19) VCF-style: chr22-30035184-C-T.
Other names: c.232C>T, p.His78Tyr (NM_001407053.1, NM_001407056.1); c.220C>T, p.His74Tyr (NM_001407055.1, NM_181828.3); c.346C>T, p.His116Tyr (NM_001407057.1, NM_001407059.1, NM_001407060.1 and 5 more transcripts); c.-295C>T (NM_001407065.1); c.115C>T, p.His39Tyr (NM_001407067.1); c.240+2319C>T (NM_001407058.1, NM_181829.3, NM_001407054.1 and 1 more transcripts); c.115-3007C>T (NM_001407063.1, NM_181830.3, NM_001407064.1 and 1 more transcripts); short protein forms H74Y, H116Y, H39Y, H78Y.
Identifiers: ClinVar variation 2720844 (VCV002720844.3), dbSNP rs2146872796, ClinGen allele CA411153361.